The following is an entry in ClinVar:

NM_017934.7(PHIP):c.51C>G (p.Phe17Leu)

Gene: PHIP (PHIP subunit of CUL4-Ring ligase complex; minus strand). Cytogenetic location: 6q14.1.
Variant type: single nucleotide variant.
Coding change: c.51C>G on transcript NM_017934.7 (MANE Select); coding-DNA position 51, C replaced by G.
Protein change: p.Phe17Leu; replaces phenylalanine 17 with leucine.
Molecular consequence: missense variant.
Genome position (GRCh38, 1-based): chr6:79,077,903, G>C on the plus strand (C>G on the coding strand, the complement: PHIP is on the minus strand). VCF-style: chr6-79077903-G-C. GRCh37 (hg19) VCF-style: chr6-79787620-G-C.
Other names: short protein forms F17L.
Identifiers: ClinVar variation 4528306 (VCV004528306.1).

ClinVar aggregate classification (germline): Uncertain significance (1 of 4 stars; one submission).

Submission:

GeneDx
Classification: Uncertain significance. Last evaluated: 2025-04-29. Review status: criteria provided, single submitter. Criteria: GeneDx Variant Classification Process June 2021. Collection method: clinical testing. Allele origin: germline. Affected: yes.
Comment: Not observed at significant frequency in large population cohorts (gnomAD); In silico analysis supports that this missense variant has a deleterious effect on protein structure/function; Has not been previously published as pathogenic or benign to our knowledge